The following is an entry in ClinVar:

NM_001244008.2(KIF1A):c.2069G>A (p.Arg690Lys)

Gene: KIF1A (kinesin family member 1A; minus strand). Cytogenetic location: 2q37.3.
Variant type: single nucleotide variant.
Coding change: c.2069G>A on transcript NM_001244008.2 (MANE Select); coding-DNA position 2069, G replaced by A.
Protein change: p.Arg690Lys; replaces arginine 690 with lysine.
Molecular consequence: missense variant.
Genome position (GRCh38, 1-based): chr2:240,762,766, C>T on the plus strand (G>A on the coding strand, the complement: KIF1A is on the minus strand). VCF-style: chr2-240762766-C-T. GRCh37 (hg19) VCF-style: chr2-241702183-C-T.
Other names: c.2069G>A, p.Arg690Lys (NM_001320705.2, NM_001330289.2, NM_001379638.1); c.2144G>A, p.Arg715Lys (NM_001330290.2, NM_001379631.1, NM_001379634.1 and 2 more transcripts); c.2042G>A, p.Arg681Lys (NM_001379632.1, NM_001379633.1, NM_001379636.1 and 10 more transcripts); c.2117G>A, p.Arg706Lys (NM_001379637.1, NM_001379648.1); short protein forms R715K, R690K, R681K, R706K.
Identifiers: ClinVar variation 1470328 (VCV001470328.8), dbSNP rs887974445, ClinGen allele CA351326263.

ClinVar aggregate classification (germline): Uncertain significance (1 of 4 stars; one submission).

Conditions:
Hereditary spastic paraplegia 30. Identifiers: Orphanet 101010, MedGen C5235139, MONDO:0012476.
Neuropathy, hereditary sensory, type 2C. Also called: KIF1A-Related HSAN2 (HSAN2C); Hereditary sensory and autonomic neuropathy type IIC. Identifiers: Orphanet 970, MedGen C3280168, MONDO:0013634, OMIM 614213.
Intellectual disability, autosomal dominant 9 (NESCAVS). Also called: KIF1A-Related Neurodevelopmental Disorder; NESCAV SYNDROME. Identifiers: Orphanet 662367, MedGen C5393830, MONDO:0013656, OMIM 614255.

Submission:

Labcorp Genetics (formerly Invitae), Labcorp
Classification: Uncertain significance for Hereditary spastic paraplegia 30; Neuropathy, hereditary sensory, type 2C; Intellectual disability, autosomal dominant 9. Last evaluated: 2025-07-15. Review status: criteria provided, single submitter. Criteria: Invitae Variant Classification Sherloc (09022015). Collection method: clinical testing. Allele origin: germline.
Comment: This sequence change replaces arginine, which is basic and polar, with lysine, which is basic and polar, at codon 681 of the KIF1A protein (p.Arg681Lys). This variant is not present in population databases (gnomAD no frequency). This variant has not been reported in the literature in individuals affected with KIF1A-related conditions. ClinVar contains an entry for this variant (Variation ID: 1470328). Invitae Evidence Modeling of protein sequence and biophysical properties (such as structural, functional, and spatial information, amino acid conservation, physicochemical variation, residue mobility, and thermodynamic stability) has been performed for this missense variant. However, the output from this modeling did not meet the statistical confidence thresholds required to predict the impact of this variant on KIF1A protein function. In summary, the available evidence is currently insufficient to determine the role of this variant in disease. Therefore, it has been classified as a Variant of Uncertain Significance.